The following is an entry in ClinVar:

NM_033004.4(NLRP1):c.835A>G (p.Thr279Ala)

Gene: NLRP1 (NLR family pyrin domain containing 1; minus strand). Cytogenetic location: 17p13.2.
Variant type: single nucleotide variant.
Coding change: c.835A>G on transcript NM_033004.4 (MANE Select); coding-DNA position 835, A replaced by G.
Protein change: p.Thr279Ala; replaces threonine 279 with alanine.
Molecular consequence: missense variant.
Genome position (GRCh38, 1-based): chr17:5,559,861, T>C on the plus strand (A>G on the coding strand, the complement: NLRP1 is on the minus strand). VCF-style: chr17-5559861-T-C. GRCh37 (hg19) VCF-style: chr17-5463181-T-C.
Other names: c.835A>G, p.Thr279Ala (NM_001033053.3, NM_014922.5, NM_033006.4 and 1 more transcripts); short protein forms T279A.
Identifiers: ClinVar variation 4690331 (VCV004690331.1).

ClinVar aggregate classification (germline): Uncertain significance (1 of 4 stars; one submission).

gnomAD v4.1: 1 of 1,614,236 alleles (0.000062%); highest among the groups gnomAD compares: South Asian, 0.0011%; no homozygotes.

Submission:

Labcorp Genetics (formerly Invitae), Labcorp
Classification: Uncertain significance. Last evaluated: 2025-04-03. Review status: criteria provided, single submitter. Criteria: Invitae Variant Classification Sherloc (09022015). Collection method: clinical testing. Allele origin: germline.
Comment: This sequence change replaces threonine, which is neutral and polar, with alanine, which is neutral and non-polar, at codon 279 of the NLRP1 protein (p.Thr279Ala). This variant is not present in population databases (gnomAD no frequency). This variant has not been reported in the literature in individuals affected with NLRP1-related conditions. An algorithm developed to predict the effect of missense changes on protein structure and function (PolyPhen-2) suggests that this variant is likely to be tolerated. In summary, the available evidence is currently insufficient to determine the role of this variant in disease. Therefore, it has been classified as a Variant of Uncertain Significance.